The following is an entry in ClinVar:

ClinVar aggregate classification (germline): Likely benign. Review status: criteria provided, multiple submitters, no conflicts (2 of 4 stars). 2 submissions from 2 submitters: Likely benign (2). Last evaluated 2025-04-07.

Conditions:
Primary ciliary dyskinesia. Also called: Ciliary dyskinesia. Identifiers: Orphanet 244, MedGen C0008780, MONDO:0016575, HP:0012265.

Allele frequency attached by ClinVar (database versions not stated): gnomAD below 0.00001 and 0.00005; TOPMed 0.00001; gnomAD exomes 0.00007 and 0.00016; ExAC 0.00015; 1000 Genomes Project 30x 0.00031; 1000 Genomes Project 0.00040.
gnomAD v4.1: 117 of 1,614,126 alleles (0.0072%); highest among the groups gnomAD compares: South Asian, 0.12%; 1 homozygote.

Submissions (2):

Labcorp Genetics (formerly Invitae), Labcorp
Classification: Likely benign for Primary ciliary dyskinesia. Last evaluated: 2025-04-07. Review status: criteria provided, single submitter. Criteria: Invitae Variant Classification Sherloc (09022015). Collection method: clinical testing. Allele origin: germline.

CeGaT Center for Human Genetics Tuebingen
Classification: Likely benign. Last evaluated: 2024-10-01. Review status: criteria provided, single submitter. Criteria: CeGaT Center For Human Genetics Tuebingen Variant Classification Criteria Version 2. Collection method: clinical testing. Allele origin: germline. Affected: yes. Observed: 1 variant allele.
Comment: DNAH5: BP4, BP7

NM_001369.3(DNAH5):c.138C>T (p.Ser46=)

Gene: DNAH5 (dynein axonemal heavy chain 5; minus strand). Cytogenetic location: 5p15.2.
Variant type: single nucleotide variant.
Coding change: c.138C>T on transcript NM_001369.3 (MANE Select); coding-DNA position 138, C replaced by T.
Protein change: p.Ser46=; no amino-acid change (serine 46 retained).
Molecular consequence: synonymous variant.
Genome position (GRCh38, 1-based): chr5:13,931,164, G>A on the plus strand (C>T on the coding strand, the complement: DNAH5 is on the minus strand). VCF-style: chr5-13931164-G-A. GRCh37 (hg19) VCF-style: chr5-13931273-G-A.
Identifiers: ClinVar variation 700903 (VCV000700903.24), dbSNP rs561555495, ClinGen allele CA3205275.